The following is an entry in ClinVar:

ClinVar aggregate classification (germline): Pathogenic (1 of 4 stars; one submission).

Conditions:
PKD1-related disorder. Also called: PKD1-related condition.

Submission:

PreventionGenetics, part of Exact Sciences
Classification: Pathogenic for PKD1-related condition. Last evaluated: 2026-03-11. Review status: criteria provided, single submitter. Criteria: ACMG Guidelines, 2015. Collection method: clinical testing. Allele origin: germline.
Comment: The PKD1 c.5167delG variant is predicted to result in a frameshift and premature protein termination (p.Val1723Trpfs*36). To our knowledge, this variant has not been reported in the literature or in a large population database (gnomAD), indicating this variant is rare. Frameshift variants in PKD1 are expected to be pathogenic. This variant is interpreted as pathogenic.

NM_001009944.3(PKD1):c.5167del (p.Val1723fs)

Gene: PKD1 (polycystin 1, transient receptor potential channel interacting; minus strand). Cytogenetic location: 16p13.3.
Variant type: Deletion.
Coding change: c.5167del on transcript NM_001009944.3 (MANE Select); coding-DNA position 5167, one base deleted (G; older notation c.5167delG).
Protein change: p.Val1723fs; shifts the reading frame from valine 1723.
Molecular consequence: frameshift variant.
Genome position (GRCh38, 1-based): chr16:2,110,000, C deleted on the plus strand (G on the coding strand, the reverse complement: PKD1 is on the minus strand); the first of 2 consecutive C bases (chr16:2,110,000-2,110,001); deleting either gives the same sequence. VCF-style (leftmost placement, unchanged base first): chr16-2109999-AC-A. GRCh37 (hg19) VCF-style: chr16-2160000-AC-A.
Other names: c.5167del, p.Val1723fs (NM_000296.4); c.5167delG (NM_001009944.2); short protein forms V1723fs.
Identifiers: ClinVar variation 4992309 (VCV004992309.1).